The following is an entry in ClinVar:

NM_000059.4(BRCA2):c.3848dup (p.Ser1284fs)

Gene: BRCA2 (BRCA2 DNA repair associated; plus strand). Cytogenetic location: 13q13.1.
Variant type: Duplication.
Coding change: c.3848dup on transcript NM_000059.4 (MANE Select); coding-DNA position 3848, one base duplicated (T; older notation c.3848dupT).
Protein change: p.Ser1284fs; shifts the reading frame from serine 1284.
Molecular consequence: frameshift variant.
Genome position (GRCh38, 1-based): chr13:32,338,203, T duplicated. VCF-style (leftmost placement, unchanged base first): chr13-32338202-G-GT. GRCh37 (hg19) VCF-style: chr13-32912339-G-GT.
Other names: 4076insT; c.3848dupT (NM_000059.3); short protein forms S1284fs.
Identifiers: ClinVar variation 37860 (VCV000037860.15), dbSNP rs397507317, ClinGen allele CA018945.
Genomic context (GRCh38, chr13:32,338,202, plus strand): 5'-AGTAAATGTCATGATTCTGTTGTTTCAATGTTTAAGATAGAAAATCATAATGATAAAACT[G>GT]TAAGTGAAAAAAATAATAAATGCCAACTGATATTACAAAATAATATTGAAATGACTACTG-3'

ClinVar aggregate classification (germline): Pathogenic. Review status: reviewed by expert panel (3 of 4 stars). 6 submissions from 5 submitters: Pathogenic (1). 5 of the submissions do not count toward it. Last evaluated 2016-09-08.

Conditions:
BRCA2-related disorder. Also called: BRCA2-related condition; BRCA2-related disorders. Identifiers: MedGen CN239275.
Hereditary cancer-predisposing syndrome. Also called: Neoplastic Syndromes, Hereditary; Hereditary Cancer Syndrome; Tumor predisposition; Hereditary neoplastic syndrome. Identifiers: Orphanet 140162, MedGen C0027672, MeSH D009386, MONDO:0015356.
Hereditary breast ovarian cancer syndrome. Also called: BRCA1- and BRCA2-Associated Hereditary Breast and Ovarian Cancer; Hereditary breast and ovarian cancer syndrome; Hereditary breast and ovarian cancer syndrome (HBOC); Hereditary breast and/or ovarian cancer syndrome; Hereditary breast and ovarian cancer; Breast and ovarian cancer. Identifiers: Orphanet 145, MedGen C0677776, MeSH D061325, MONDO:0003582. Disease mechanism: loss of function.
Breast-ovarian cancer, familial, susceptibility to, 2 (BROVCA2). Also called: BRCA2 Hereditary Breast and Ovarian Cancer. Identifiers: Orphanet 145, MedGen C2675520, MONDO:0012933, OMIM 612555. Disease mechanism: loss of function.

Submissions (6):

Evidence-based Network for the Interpretation of Germline Mutant Alleles (ENIGMA)
Classification: Pathogenic for Breast-ovarian cancer, familial, susceptibility to, 2. Last evaluated: 2016-09-08. Review status: reviewed by expert panel. Criteria: ENIGMA BRCA1/2 Classification Criteria (2015). Collection method: curation. Allele origin: germline.
Comment: Variant allele predicted to encode a truncated non-functional protein.

Dasa
Classification: Pathogenic for Breast-ovarian cancer, familial, susceptibility to, 2. Last evaluated: 2026-03-20. Review status: criteria provided, single submitter. Criteria: DASA Assertion Criteria. Collection method: clinical testing. Allele origin: germline. Not counted in ClinVar's aggregate classification.
Comment: NM_000059.4(BRCA2):c.3848dup (p.Ser1284Lysfs*2) introduces a premature termination codon predicted to result in loss of normal protein function. Loss-of-function is an established mechanism of disease for this gene. Based on the available data, this variant is classified as pathogenic.

Ambry Genetics
Classification: Pathogenic for Hereditary cancer-predisposing syndrome. Last evaluated: 2025-04-18. Review status: criteria provided, single submitter. Criteria: Ambry Variant Classification Scheme 2023. Collection method: clinical testing. Allele origin: germline. Not counted in ClinVar's aggregate classification.
Comment: The c.3848dupT (p.S1284Kfs*2) alteration, located in exon 11 (coding exon 10) of the BRCA2 gene, consists of a duplication of T at position 3848, causing a translational frameshift with a predicted alternate stop codon after 2 amino acids. This alteration is expected to result in loss of function by premature protein truncation or nonsense-mediated mRNA decay. This variant was not reported in population-based cohorts in the Genome Aggregation Database (gnomAD). Based on the available evidence, this alteration is classified as pathogenic.

Dasa
Classification: Pathogenic for BRCA2-related disorder. Last evaluated: 2022-03-05. Review status: criteria provided, single submitter. Criteria: ACMG Guidelines, 2015. Collection method: clinical testing. Allele origin: germline. Affected: yes. Observed: 1 variant allele. Not counted in ClinVar's aggregate classification.
Comment: The c.3848dupT;p.(Ser1284Lysfs*2) is a null frameshift variant (NMD) in the BRCA2 gene and predicts alteration of the nonsense-mediate decay - NMD is present in a relevant exon to the transcript - PVS1. This sequence change has been observed in affected individual(s) and ClinVar contains an entry for this variant (ClinVar ID: 37860)PS4_moderate. This variant is not present in population databases (rs397507317- gnomAD; ABraOM no frequency.) - PM2. In summary, the currently available evidence indicates that the variant is pathogenic.

Labcorp Genetics (formerly Invitae), Labcorp
Classification: Pathogenic for Hereditary breast ovarian cancer syndrome. Last evaluated: 2021-09-19. Review status: criteria provided, single submitter. Criteria: Invitae Variant Classification Sherloc (09022015). Collection method: clinical testing. Allele origin: germline. Not counted in ClinVar's aggregate classification.
Comment: This sequence change creates a premature translational stop signal (p.Ser1284Lysfs*2) in the BRCA2 gene. It is expected to result in an absent or disrupted protein product. This variant is not present in population databases (ExAC no frequency). This variant has not been reported in the literature in individuals with BRCA2-related conditions. ClinVar contains an entry for this variant (Variation ID: 37860). Loss-of-function variants in BRCA2 are known to be pathogenic (PMID: 20104584). For these reasons, this variant has been classified as Pathogenic.

Sharing Clinical Reports Project (SCRP)
Classification: Pathogenic for Breast-ovarian cancer, familial 2. Last evaluated: 2011-04-14. Review status: no assertion criteria provided. Collection method: clinical testing. Allele origin: germline. Not counted in ClinVar's aggregate classification.

Literature cited by the submitters: PubMed 20104584 (cited by Labcorp Genetics (formerly Invitae), Labcorp).